The following is an entry in ClinVar:

ClinVar aggregate classification (germline): Likely benign (1 of 4 stars; one submission).

Conditions:
Retinitis pigmentosa (RP). Identifiers: Orphanet 791, MedGen C0035334, MeSH D012174, MONDO:0019200, OMIM 268000. Inheritance: Autosomal dominant, autosomal recessive and X linked inheritance.

Allele frequency attached by ClinVar (database versions not stated): gnomAD exomes 0.00117 and 0.00255; ExAC 0.00456; ESP Exome Variant Server 0.00858; gnomAD 0.01209 and 0.01315; 1000 Genomes Project 0.01238; TOPMed 0.01353; 1000 Genomes Project 30x 0.01499.
gnomAD v4.1: 3,577 of 1,589,852 alleles (0.22%); highest among the groups gnomAD compares: African/African-American, 4.4%; 61 homozygotes.

Submission:

Illumina Laboratory Services, Illumina
Classification: Likely benign for Retinitis pigmentosa. Last evaluated: 2018-01-13. Review status: criteria provided, single submitter. Criteria: ICSL Variant Classification Criteria 13 December 2019. Collection method: clinical testing. Allele origin: germline.
Comment: This variant was observed in the ICSL laboratory as part of a predisposition screen in an ostensibly healthy population. It had not been previously curated by ICSL or reported in the Human Gene Mutation Database (HGMD: prior to June 1st, 2018), and was therefore a candidate for classification through an automated scoring system. Utilizing variant allele frequency, disease prevalence and penetrance estimates, and inheritance mode, an automated score was calculated to assess if this variant is too frequent to cause the disease. Based on the score and internal cut-off values, a variant classified as likely benign is not then subjected to further curation. The score for this variant resulted in a classification of likely benign for this disease.

NM_001201543.2(FAM161A):c.-16C>G

Gene: FAM161A (FAM161 centrosomal protein A; minus strand). Cytogenetic location: 2p15.
Variant type: single nucleotide variant.
Coding change: c.-16C>G on transcript NM_001201543.2 (MANE Select); 16 bases upstream of the start codon, C replaced by G.
Molecular consequence: 5 prime UTR variant. On other transcripts: non-coding transcript variant (1).
Genome position (GRCh38, 1-based): chr2:61,854,057, G>C on the plus strand (C>G on the coding strand, the complement: FAM161A is on the minus strand). VCF-style: chr2-61854057-G-C. GRCh37 (hg19) VCF-style: chr2-62081192-G-C.
Other names: c.-16C>G (NM_032180.3).
Identifiers: ClinVar variation 336746 (VCV000336746.5), dbSNP rs184556352, ClinGen allele CA1679471.
Genomic context (GRCh38, chr2:61,854,057, plus strand): 5'-GAGACTGGAGGCCACCAGCTTCGCCACTCGGTGGGAGGTGGCCATCGCCCCGCCTCCGAG[G>C]CCTGAGCGCCTGCGCTGGCCCGGGACGGGAAAGCTGGTGCGGCCCCTGGCAACCCGGGGG-3'